The following is an entry in ClinVar:

ClinVar aggregate classification (germline): Likely benign (0 of 4 stars; one submission).

Conditions:
ITGA9-related disorder. Also called: ITGA9-related condition.

Allele frequency attached by ClinVar (database versions not stated): 1000 Genomes Project 0.00160; 1000 Genomes Project 30x 0.00172; ExAC 0.00265; gnomAD 0.00272; TOPMed 0.00275; gnomAD exomes 0.00370; ESP Exome Variant Server 0.00408.
gnomAD v4.1: 5,781 of 1,613,984 alleles (0.36%); highest among the groups gnomAD compares: Middle Eastern, 0.84%; 21 homozygotes.

Submission:

PreventionGenetics, part of Exact Sciences
Classification: Likely benign for ITGA9-related condition. Last evaluated: 2020-05-21. Review status: no assertion criteria provided. Collection method: clinical testing. Allele origin: germline.
Comment: This variant is classified as likely benign based on ACMG/AMP sequence variant interpretation guidelines (Richards et al. 2015 PMID: 25741868, with internal and published modifications).

NM_002207.3(ITGA9):c.2362G>A (p.Val788Met)

Gene: ITGA9 (integrin subunit alpha 9; plus strand). Cytogenetic location: 3p22.2.
Variant type: single nucleotide variant.
Coding change: c.2362G>A on transcript NM_002207.3 (MANE Select); coding-DNA position 2362, G replaced by A.
Protein change: p.Val788Met; replaces valine 788 with methionine.
Molecular consequence: missense variant.
Genome position (GRCh38, 1-based): chr3:37,743,963, G>A. VCF-style: chr3-37743963-G-A. GRCh37 (hg19) VCF-style: chr3-37785454-G-A.
Other names: short protein forms V788M.
Identifiers: ClinVar variation 3037361 (VCV003037361.2), dbSNP rs140716372, ClinGen allele CA2311172.
Genomic context (GRCh38, chr3:37,743,963, plus strand): 5'-GATTTCATGCTTTCCTCTTTCAGAATCATGTCTCCAACCTCCTTTGTATATGGCGAGTCC[G>A]TGGACGCAGCCAACTTCATTCAGCTGGATGACCTGGAGTGTCACTTTCAGCCCATCAATA-3'
Protein context (NP_002198.2, residues 778-798): SPTSFVYGES[Val788Met]DAANFIQLDD